The following is an entry in ClinVar:

NM_004360.5(CDH1):c.532-8G>C

Gene: CDH1 (cadherin 1; plus strand). Cytogenetic location: 16q22.1.
Variant type: single nucleotide variant.
Coding change: c.532-8G>C on transcript NM_004360.5 (MANE Select); 8 bases into the intron before coding-DNA position 532, G replaced by C.
Molecular consequence: intron variant.
Genome position (GRCh38, 1-based): chr16:68,808,685, G>C. VCF-style: chr16-68808685-G-C. GRCh37 (hg19) VCF-style: chr16-68842588-G-C.
Other names: c.-1084-8G>C (NM_001317185.2); c.-1288-8G>C (NM_001317186.2); c.532-8G>C (NM_001317184.2).
Identifiers: ClinVar variation 928403 (VCV000928403.8), dbSNP rs1960735285, ClinGen allele CA1139664752.
Genomic context (GRCh38, chr16:68,808,685, plus strand): 5'-GAGAAAGGGAAAAGACCCAGTGTTGGGATCCTTCTTTACTAATTCTTTTTCTTTCATTTT[G>C]TCTTCAGATCAAATCCAACAAAGACAAAGAAGGCAAGGTTTTCTACAGCATCACTGGCCA-3'

ClinVar aggregate classification (germline): Conflicting classifications of pathogenicity. Review status: criteria provided, conflicting classifications (1 of 4 stars). 2 submissions from 2 submitters: Uncertain significance (1); Likely benign (1). Last evaluated 2022-05-21.

Conditions:
Hereditary cancer-predisposing syndrome. Also called: Tumor predisposition; Hereditary neoplastic syndrome; Neoplastic Syndromes, Hereditary; Hereditary Cancer Syndrome. Identifiers: Orphanet 140162, MedGen C0027672, MeSH D009386, MONDO:0015356.
Hereditary diffuse gastric adenocarcinoma (HDGC). Also called: DIFFUSE GASTRIC AND LOBULAR BREAST CANCER SYNDROME. Identifiers: Orphanet 26106, MedGen C1708349, MONDO:0007648, OMIM 137215.

Submissions (2):

Labcorp Genetics (formerly Invitae), Labcorp
Classification: Likely benign for Hereditary diffuse gastric adenocarcinoma. Last evaluated: 2022-05-21. Review status: criteria provided, single submitter. Criteria: Invitae Variant Classification Sherloc (09022015). Collection method: clinical testing. Allele origin: germline.

Color Diagnostics, LLC DBA Color Health
Classification: Uncertain significance for Hereditary cancer-predisposing syndrome. Last evaluated: 2019-08-01. Review status: criteria provided, single submitter. Criteria: ACMG Guidelines, 2015. Collection method: clinical testing. Allele origin: germline.
Comment: This variant causes G>C nucleotide substitution at the -8 position of intron 4 of the CDH1 gene. To our knowledge, functional assays have not been performed for this variant nor has this variant been reported in individuals affected with hereditary cancer in the literature. This variant has not been identified in the general population by the Genome Aggregation Database (gnomAD). Available evidence is insufficient to determine the role of this variant in disease conclusively. Therefore, this variant is classified as a Variant of Uncertain Significance.